The following is an entry in ClinVar:

NM_001673.5(ASNS):c.407G>A (p.Gly136Asp)

Genes: ASNS (asparagine synthetase (glutamine-hydrolyzing); minus strand), CZ1P-ASNS (CZ1P-ASNS readthrough; minus strand). Cytogenetic location: 7q21.3.
Variant type: single nucleotide variant.
Coding change: c.407G>A on transcript NM_001673.5 (MANE Select); coding-DNA position 407, G replaced by A.
Protein change: p.Gly136Asp; replaces glycine 136 with aspartic acid.
Molecular consequence: missense variant. On other transcripts: non-coding transcript variant (1).
Genome position (GRCh38, 1-based): chr7:97,864,339, C>T on the plus strand (G>A on the coding strand, the complement: ASNS is on the minus strand). VCF-style: chr7-97864339-C-T. GRCh37 (hg19) VCF-style: chr7-97493651-C-T.
Other names: c.344G>A, p.Gly115Asp (NM_001178075.2); c.158G>A, p.Gly53Asp (NM_001178076.2, NM_001178077.1); c.407G>A, p.Gly136Asp (NM_001352496.2, NM_133436.3, NM_183356.4); short protein forms G136D, G115D, G53D.
Identifiers: ClinVar variation 1933240 (VCV001933240.5), dbSNP rs760082466, ClinGen allele CA4354782.

ClinVar aggregate classification (germline): Uncertain significance (1 of 4 stars; one submission).

Allele frequency attached by ClinVar (database versions not stated): gnomAD exomes below 0.00001; ExAC 0.00001.
gnomAD v4.1: 1 of 1,613,788 alleles (0.000062%); highest among the groups gnomAD compares: East Asian, 0.0022%; no homozygotes.

Submission:

Labcorp Genetics (formerly Invitae), Labcorp
Classification: Uncertain significance. Last evaluated: 2022-09-13. Review status: criteria provided, single submitter. Criteria: Invitae Variant Classification Sherloc (09022015). Collection method: clinical testing. Allele origin: germline.
Comment: Advanced modeling of protein sequence and biophysical properties (such as structural, functional, and spatial information, amino acid conservation, physicochemical variation, residue mobility, and thermodynamic stability) performed at Invitae indicates that this missense variant is expected to disrupt ASNS protein function. This variant has not been reported in the literature in individuals affected with ASNS-related conditions. The frequency data for this variant in the population databases is considered unreliable, as metrics indicate poor data quality at this position in the gnomAD database. This sequence change replaces glycine, which is neutral and non-polar, with aspartic acid, which is acidic and polar, at codon 136 of the ASNS protein (p.Gly136Asp). In summary, the available evidence is currently insufficient to determine the role of this variant in disease. Therefore, it has been classified as a Variant of Uncertain Significance.